The following is an entry in ClinVar:

ClinVar aggregate classification (germline): Likely benign. Review status: criteria provided, single submitter (1 of 4 stars). 2 submissions from 2 submitters: Likely benign (1). 1 of the submissions does not count toward it. Last evaluated 2024-12-24.

Conditions:
DCHS1-related disorder. Also called: DCHS1-related condition.

gnomAD v4.1: 1 of 1,580,486 alleles (0.000063%); no homozygotes.

Submissions (2):

Labcorp Genetics (formerly Invitae), Labcorp
Classification: Likely benign. Last evaluated: 2024-12-24. Review status: criteria provided, single submitter. Criteria: Invitae Variant Classification Sherloc (09022015). Collection method: clinical testing. Allele origin: germline.

PreventionGenetics, part of Exact Sciences
Classification: Likely benign for DCHS1-related condition. Last evaluated: 2019-02-22. Review status: no assertion criteria provided. Collection method: clinical testing. Allele origin: germline. Not counted in ClinVar's aggregate classification.
Comment: This variant is classified as likely benign based on ACMG/AMP sequence variant interpretation guidelines (Richards et al. 2015 PMID: 25741868, with internal and published modifications).

NM_003737.4(DCHS1):c.7335A>G (p.Ser2445=)

Gene: DCHS1 (dachsous cadherin-related 1; minus strand). Cytogenetic location: 11p15.4.
Variant type: single nucleotide variant.
Coding change: c.7335A>G on transcript NM_003737.4 (MANE Select); coding-DNA position 7335, A replaced by G.
Protein change: p.Ser2445=; no amino-acid change (serine 2445 retained).
Molecular consequence: synonymous variant.
Genome position (GRCh38, 1-based): chr11:6,624,341, T>C on the plus strand (A>G on the coding strand, the complement: DCHS1 is on the minus strand). VCF-style: chr11-6624341-T-C. GRCh37 (hg19) VCF-style: chr11-6645572-T-C.
Identifiers: ClinVar variation 3057453 (VCV003057453.4), dbSNP rs1478266371, ClinGen allele CA472924894.